The following is an entry in ClinVar:

ClinVar aggregate classification (germline): Uncertain significance (1 of 4 stars; one submission).

Conditions:
Alstrom syndrome (ALMS). Identifiers: Orphanet 64, MedGen C0268425, MONDO:0008763, OMIM 203800.

Submission:

Labcorp Genetics (formerly Invitae), Labcorp
Classification: Uncertain significance for Alstrom syndrome. Last evaluated: 2021-06-19. Review status: criteria provided, single submitter. Criteria: Invitae Variant Classification Sherloc (09022015). Collection method: clinical testing. Allele origin: germline.
Comment: In summary, the available evidence is currently insufficient to determine the role of this variant in disease. Therefore, it has been classified as a Variant of Uncertain Significance. Experimental studies and prediction algorithms are not available or were not evaluated, and the functional significance of this variant is currently unknown. This variant has not been reported in the literature in individuals with ALMS1-related conditions. This variant is not present in population databases (ExAC no frequency). This sequence change replaces glutamine with glutamic acid at codon 4074 of the ALMS1 protein (p.Gln4074Glu). The glutamine residue is moderately conserved and there is a small physicochemical difference between glutamine and glutamic acid.

NM_001378454.1(ALMS1):c.12217C>G (p.Gln4073Glu)

Genes: ALMS1 (ALMS1 centrosome and basal body associated protein; plus strand), LOC126806252 (BRD4-independent group 4 enhancer GRCh37_chr2:73828496-73829695; plus strand). Cytogenetic location: 2p13.1.
Variant type: single nucleotide variant.
Coding change: c.12217C>G on transcript NM_001378454.1 (MANE Select); coding-DNA position 12217, C replaced by G.
Protein change: p.Gln4073Glu; replaces glutamine 4073 with glutamic acid.
Molecular consequence: missense variant.
Genome position (GRCh38, 1-based): chr2:73,602,287, C>G. VCF-style: chr2-73602287-C-G. GRCh37 (hg19) VCF-style: chr2-73829414-C-G.
Other names: c.12220C>G, p.Gln4074Glu (NM_015120.4); short protein forms Q4074E, Q4073E.
Identifiers: ClinVar variation 1420676 (VCV001420676.6), dbSNP rs774835325, ClinGen allele CA347268199.
Genomic context (GRCh38, chr2:73,602,287, plus strand): 5'-GGGGAGCGGATAAAGCGCCTGAAGTTAATAGTCCAGGAGAGGAAGCTGCAGAGCATGTTA[C>G]AGACCGAGCGGGATGCACTATTCAACATTGACAGGGAACGGCAGGGCCACCAGAATCGCA-3'
Protein context (NP_001365383.1, residues 4063-4083): VQERKLQSML[Gln4073Glu]TERDALFNID